The following is an entry in ClinVar:

NM_013266.4(CTNNA3):c.161G>C (p.Arg54Thr)

Gene: CTNNA3 (catenin alpha 3; minus strand). Cytogenetic location: 10q21.3.
Variant type: single nucleotide variant.
Coding change: c.161G>C on transcript NM_013266.4 (MANE Select); coding-DNA position 161, G replaced by C.
Protein change: p.Arg54Thr; replaces arginine 54 with threonine.
Molecular consequence: missense variant.
Genome position (GRCh38, 1-based): chr10:67,606,988, C>G on the plus strand (G>C on the coding strand, the complement: CTNNA3 is on the minus strand). VCF-style: chr10-67606988-C-G. GRCh37 (hg19) VCF-style: chr10-69366746-C-G.
Other names: c.161G>C, p.Arg54Thr (NM_001127384.3); c.197G>C, p.Arg66Thr (NM_001291133.2); short protein forms R54T, R66T.
Identifiers: ClinVar variation 3606069 (VCV003606069.3).

ClinVar aggregate classification (germline): Uncertain significance. Review status: criteria provided, multiple submitters, no conflicts (2 of 4 stars). 2 submissions from 2 submitters: Uncertain significance (2). Last evaluated 2024-11-12.

Conditions:
Arrhythmogenic right ventricular dysplasia 13. Also called: Arrhythmogenic right ventricular dysplasia, familial, 13; ARRHYTHMOGENIC RIGHT VENTRICULAR CARDIOMYOPATHY 13. Identifiers: MedGen C3810138, MONDO:0000908, OMIM 615616.

gnomAD v4.1: 7 of 1,613,982 alleles (0.00043%); highest among the groups gnomAD compares: Non-Finnish European, 0.00059%; no homozygotes.

Submissions (2):

Labcorp Genetics (formerly Invitae), Labcorp
Classification: Uncertain significance for Arrhythmogenic right ventricular dysplasia 13. Last evaluated: 2024-11-12. Review status: criteria provided, single submitter. Criteria: Invitae Variant Classification Sherloc (09022015). Collection method: clinical testing. Allele origin: germline.
Comment: This sequence change replaces arginine, which is basic and polar, with threonine, which is neutral and polar, at codon 54 of the CTNNA3 protein (p.Arg54Thr). This variant is not present in population databases (gnomAD no frequency). This variant has not been reported in the literature in individuals affected with CTNNA3-related conditions. Invitae Evidence Modeling of protein sequence and biophysical properties (such as structural, functional, and spatial information, amino acid conservation, physicochemical variation, residue mobility, and thermodynamic stability) indicates that this missense variant is not expected to disrupt CTNNA3 protein function with a negative predictive value of 80%. In summary, the available evidence is currently insufficient to determine the role of this variant in disease. Therefore, it has been classified as a Variant of Uncertain Significance.

Blueprint Genetics
Classification: Uncertain significance. Last evaluated: 2024-06-04. Review status: criteria provided, single submitter. Criteria: ACMG Guidelines, 2015. Collection method: clinical testing. Allele origin: germline.